The following is an entry in ClinVar:

NM_182961.4(SYNE1):c.7879G>A (p.Glu2627Lys)

Gene: SYNE1 (spectrin repeat containing nuclear envelope protein 1; minus strand). Cytogenetic location: 6q25.2.
Variant type: single nucleotide variant.
Coding change: c.7879G>A on transcript NM_182961.4 (MANE Select); coding-DNA position 7879, G replaced by A.
Protein change: p.Glu2627Lys; replaces glutamic acid 2627 with lysine.
Molecular consequence: missense variant.
Genome position (GRCh38, 1-based): chr6:152,391,402, C>T on the plus strand (G>A on the coding strand, the complement: SYNE1 is on the minus strand). VCF-style: chr6-152391402-C-T. GRCh37 (hg19) VCF-style: chr6-152712537-C-T.
Other names: c.7900G>A, p.Glu2634Lys (NM_033071.5); short protein forms E2627K, E2634K.
Identifiers: ClinVar variation 1010813 (VCV001010813.8), dbSNP rs754203591, ClinGen allele CA4057673.
Genomic context (GRCh38, chr6:152,391,402, plus strand): 5'-GTCTGTCCTGAATGGCCTTCACCCAGAACCACATGCTTTGCAGTGCTTCCTCCAGGGCTT[C>T]GTGCTCCTGAAGGGCCACCTGGCAGCTCCGGAGTTTCTCTTTGGTCATTCTAAGTAGGTT-3'
Protein context (NP_892006.3, residues 2617-2637): RSCQVALQEH[Glu2627Lys]ALEEALQSMW

ClinVar aggregate classification (germline): Uncertain significance (1 of 4 stars; one submission).

Conditions:
Autosomal recessive ataxia, Beauce type. Also called: ATAXIA, RECESSIVE, OF BEAUCE; Spinocerebellar ataxia, autosomal recessive 8; SYNE1-Related Autosomal Recessive Cerebellar Ataxia; SYNE1 Deficiency. Identifiers: Orphanet 88644, MedGen C1853116, MONDO:0012549, OMIM 610743.
Emery-Dreifuss muscular dystrophy 4, autosomal dominant (EDMD4). Also called: EMERY-DREIFUSS MUSCULAR DYSTROPHY 4 WITH VARIABLE FEATURES. Identifiers: Orphanet 261, MedGen C2751807, MONDO:0013071, OMIM 612998.

Allele frequency attached by ClinVar (database versions not stated): ExAC 0.00001; gnomAD 0.00001; gnomAD exomes 0.00001; TOPMed 0.00001.
gnomAD v4.1: 12 of 1,613,864 alleles (0.00074%); highest among the groups gnomAD compares: Admixed American, 0.0033%; no homozygotes.

Submission:

Labcorp Genetics (formerly Invitae), Labcorp
Classification: Uncertain significance for Emery-Dreifuss muscular dystrophy 4, autosomal dominant; Autosomal recessive ataxia, Beauce type. Last evaluated: 2021-08-02. Review status: criteria provided, single submitter. Criteria: Invitae Variant Classification Sherloc (09022015). Collection method: clinical testing. Allele origin: germline.
Comment: Algorithms developed to predict the effect of missense changes on protein structure and function (SIFT, PolyPhen-2, Align-GVGD) all suggest that this variant is likely to be tolerated, but these predictions have not been confirmed by published functional studies and their clinical significance is uncertain. This variant has not been reported in the literature in individuals with SYNE1-related conditions. This variant is present in population databases (rs754203591, ExAC 0.002%). This sequence change replaces glutamic acid with lysine at codon 2634 of the SYNE1 protein (p.Glu2634Lys). The glutamic acid residue is moderately conserved and there is a small physicochemical difference between glutamic acid and lysine. In summary, the available evidence is currently insufficient to determine the role of this variant in disease. Therefore, it has been classified as a Variant of Uncertain Significance.